The following is an entry in ClinVar:

NM_002582.4(PARN):c.749A>G (p.Lys250Arg)

Gene: PARN (poly(A)-specific ribonuclease; minus strand). Cytogenetic location: 16p13.12.
Variant type: single nucleotide variant.
Coding change: c.749A>G on transcript NM_002582.4 (MANE Select); coding-DNA position 749, A replaced by G.
Protein change: p.Lys250Arg; replaces lysine 250 with arginine.
Molecular consequence: missense variant.
Genome position (GRCh38, 1-based): chr16:14,604,180, T>C on the plus strand (A>G on the coding strand, the complement: PARN is on the minus strand). VCF-style: chr16-14604180-T-C. GRCh37 (hg19) VCF-style: chr16-14698037-T-C.
Other names: c.566A>G, p.Lys189Arg (NM_001134477.3); c.611A>G, p.Lys204Arg (NM_001242992.2); short protein forms K189R, K204R, K250R.
Identifiers: ClinVar variation 2943013 (VCV002943013.3), dbSNP rs1258568177, ClinGen allele CA394807634.

ClinVar aggregate classification (germline): Uncertain significance (1 of 4 stars; one submission).

Conditions:
Pulmonary fibrosis and/or bone marrow failure, Telomere-related, 4. Also called: PULMONARY FIBROSIS AND/OR BONE MARROW FAILURE SYNDROME, TELOMERE-RELATED, 4. Identifiers: Orphanet 2032, MedGen C4225347, MONDO:0014612, OMIM 616371.
Dyskeratosis congenita, autosomal recessive 6 (DKCB6). Identifiers: MedGen C4225356, MONDO:0014600, OMIM 616353.

Submission:

Labcorp Genetics (formerly Invitae), Labcorp
Classification: Uncertain significance for Dyskeratosis congenita, autosomal recessive 6; Pulmonary fibrosis and/or bone marrow failure, Telomere-related, 4. Last evaluated: 2023-05-05. Review status: criteria provided, single submitter. Criteria: Invitae Variant Classification Sherloc (09022015). Collection method: clinical testing. Allele origin: germline.
Comment: In summary, the available evidence is currently insufficient to determine the role of this variant in disease. Therefore, it has been classified as a Variant of Uncertain Significance. Advanced modeling of protein sequence and biophysical properties (such as structural, functional, and spatial information, amino acid conservation, physicochemical variation, residue mobility, and thermodynamic stability) performed at Invitae indicates that this missense variant is not expected to disrupt PARN protein function. This variant has not been reported in the literature in individuals affected with PARN-related conditions. This variant is not present in population databases (gnomAD no frequency). This sequence change replaces lysine, which is basic and polar, with arginine, which is basic and polar, at codon 250 of the PARN protein (p.Lys250Arg).